The following is an entry in ClinVar:

NM_080552.3(SLC32A1):c.335A>G (p.Asp112Gly)

Gene: SLC32A1 (solute carrier family 32 member 1; plus strand). Cytogenetic location: 20q11.23.
Variant type: single nucleotide variant.
Coding change: c.335A>G on transcript NM_080552.3 (MANE Select); coding-DNA position 335, A replaced by G.
Protein change: p.Asp112Gly; replaces aspartic acid 112 with glycine.
Molecular consequence: missense variant.
Genome position (GRCh38, 1-based): chr20:38,725,059, A>G. VCF-style: chr20-38725059-A-G. GRCh37 (hg19) VCF-style: chr20-37353702-A-G.
Other names: short protein forms D112G.
Identifiers: ClinVar variation 4535364 (VCV004535364.6).

ClinVar aggregate classification (germline): Uncertain significance (1 of 4 stars; one submission).

Submission:

CeGaT Center for Human Genetics Tuebingen
Classification: Uncertain significance. Last evaluated: 2025-11-01. Review status: criteria provided, single submitter. Criteria: CeGaT Center For Human Genetics Tuebingen Variant Classification Criteria Version 2. Collection method: clinical testing. Allele origin: germline. Affected: yes. Observed: 1 variant allele.
Comment: SLC32A1: PM2